The following is an entry in ClinVar:

NM_016579.4(CD320):c.685T>C (p.Tyr229His)

Gene: CD320 (CD320 molecule; minus strand). Cytogenetic location: 19p13.2.
Variant type: single nucleotide variant.
Coding change: c.685T>C on transcript NM_016579.4 (MANE Select); coding-DNA position 685, T replaced by C.
Protein change: p.Tyr229His; replaces tyrosine 229 with histidine.
Molecular consequence: missense variant.
Genome position (GRCh38, 1-based): chr19:8,302,798, A>G on the plus strand (T>C on the coding strand, the complement: CD320 is on the minus strand). VCF-style: chr19-8302798-A-G. GRCh37 (hg19) VCF-style: chr19-8367682-A-G.
Other names: c.559T>C, p.Tyr187His (NM_001165895.2); short protein forms Y187H, Y229H.
Identifiers: ClinVar variation 2160735 (VCV002160735.4), dbSNP rs1423660217, ClinGen allele CA403709064.

ClinVar aggregate classification (germline): Uncertain significance (1 of 4 stars; one submission).

Conditions:
Methylmalonic acidemia due to transcobalamin receptor defect (MATR). Also called: METHYLMALONIC ACIDEMIA, TCblR TYPE; METHYLMALONIC ACIDURIA, TRANSIENT, DUE TO TRANSCOBALAMIN RECEPTOR DEFECT. Identifiers: Orphanet 280183, MedGen C4749905, MONDO:0013341, OMIM 613646.

Allele frequency attached by ClinVar (database versions not stated): gnomAD exomes below 0.00001; TOPMed below 0.00001; gnomAD 0.00001.
gnomAD v4.1: 5 of 1,613,992 alleles (0.00031%); highest among the groups gnomAD compares: Non-Finnish European, 0.00034%; no homozygotes.

Submission:

Labcorp Genetics (formerly Invitae), Labcorp
Classification: Uncertain significance for Methylmalonic acidemia due to transcobalamin receptor defect. Last evaluated: 2022-10-14. Review status: criteria provided, single submitter. Criteria: Invitae Variant Classification Sherloc (09022015). Collection method: clinical testing. Allele origin: germline.
Comment: In summary, the available evidence is currently insufficient to determine the role of this variant in disease. Therefore, it has been classified as a Variant of Uncertain Significance. Algorithms developed to predict the effect of missense changes on protein structure and function (SIFT, PolyPhen-2, Align-GVGD) all suggest that this variant is likely to be tolerated. This variant has not been reported in the literature in individuals affected with CD320-related conditions. This variant is not present in population databases (gnomAD no frequency). This sequence change replaces tyrosine, which is neutral and polar, with histidine, which is basic and polar, at codon 229 of the CD320 protein (p.Tyr229His).